The following is an entry in ClinVar:

ClinVar aggregate classification (germline): Pathogenic/Likely pathogenic. Review status: criteria provided, multiple submitters, no conflicts (2 of 4 stars). 14 submissions from 12 submitters: Pathogenic (12); Likely pathogenic (1). 1 of the submissions does not count toward it. Last evaluated 2026-07-20.

Conditions:
CEP290-related disorder. Also called: CEP290-related disorders; CEP290-related condition. Identifiers: MedGen CN239314.
Meckel-Gruber syndrome. Also called: DYSENCEPHALIA SPLANCHNOCYSTICA; GRUBER SYNDROME; Dysencephalia splachnocystica. Identifiers: Orphanet 564, MedGen C0265215, MONDO:0018921.
Nephronophthisis. Also called: Juvenile Nephronophthisis. Identifiers: Orphanet 655, MedGen C0687120, MONDO:0019005, HP:0000090.
Joubert syndrome. Also called: JOUBERT-BOLTSHAUSER SYNDROME; Familial aplasia of the vermis. Identifiers: Orphanet 475, MedGen C5979921, MONDO:0018772.
Leber congenital amaurosis 10 (LCA10). Identifiers: Orphanet 65, MedGen C1857821, MONDO:0012723, OMIM 611755.
Meckel syndrome, type 4 (MKS4). Also called: MECKEL-GRUBER SYNDROME, TYPE 4. Identifiers: Orphanet 564, MedGen C1970161, MONDO:0012626, OMIM 611134.
Senior-Loken syndrome 6 (SLSN6). Identifiers: Orphanet 3156, MedGen C1857779, MONDO:0012433, OMIM 610189.
Joubert syndrome 5 (JBTS5). Identifiers: Orphanet 2318, MedGen C1857780, MONDO:0012432, OMIM 610188.
Bardet-Biedl syndrome 14 (BBS14). Identifiers: Orphanet 110, MedGen C2673874, MONDO:0014442, OMIM 615991.
Retinitis pigmentosa (RP). Identifiers: Orphanet 791, MedGen C0035334, MeSH D012174, MONDO:0019200, OMIM 268000. Inheritance: Autosomal dominant, autosomal recessive and X linked inheritance.
Leber congenital amaurosis (LCA). Also called: Leber's amaurosis. Identifiers: Orphanet 65, MedGen C0339527, MeSH D057130, MONDO:0018998.

Allele frequency attached by ClinVar (database versions not stated): gnomAD exomes 0.00004 and 0.00017; TOPMed 0.00005; gnomAD 0.00006; ExAC 0.00009.
gnomAD v4.1: 242 of 1,524,266 alleles (0.016%); highest among the groups gnomAD compares: Non-Finnish European, 0.02%; no homozygotes.

Submissions 1 to 10 of 14:

PreventionGenetics, part of Exact Sciences
Classification: Pathogenic for CEP290-related condition. Last evaluated: 2026-07-20. Review status: criteria provided, single submitter. Criteria: ACMG Guidelines, 2015. Collection method: clinical testing. Allele origin: germline.
Comment: The CEP290 c.4966G>T variant is predicted to result in premature protein termination (p.Glu1656*). This variant has been reported in the compound heterozygous state in individuals with Leber congenital amaurosis or Joubert syndrome (den Hollander et al. 2006. PubMed ID: 16909394; Table S2, Summers et al. 2017. PubMed ID: 28497568; Sheck et al. 2018. PubMed ID: 29398085; Walia et al. 2010. PubMed ID: 20079931). This variant is reported in 0.0096% of alleles in individuals of European (Non-Finnish) descent in gnomAD. Nonsense variants in CEP290 are expected to be pathogenic. This variant is interpreted as pathogenic.

Labcorp Genetics (formerly Invitae), Labcorp
Classification: Pathogenic for Joubert syndrome; Meckel-Gruber syndrome; Nephronophthisis. Last evaluated: 2026-01-19. Review status: criteria provided, single submitter. Criteria: Invitae Variant Classification Sherloc (09022015). Collection method: clinical testing. Allele origin: germline.
Comment: This sequence change creates a premature translational stop signal (p.Glu1656*) in the CEP290 gene. It is expected to result in an absent or disrupted protein product. Loss-of-function variants in CEP290 are known to be pathogenic (PMID: 16909394, 17345604, 20690115). This variant is present in population databases (rs62638179, gnomAD 0.01%). This premature translational stop signal has been observed in individual(s) with Leber congenital amaurosis, Joubert syndrome, or nephronophthisis-associated ciliopathy (PMID: 16909394, 20079931, 23188109, 23559409, 28497568). ClinVar contains an entry for this variant (Variation ID: 99857). For these reasons, this variant has been classified as Pathogenic.

Victorian Clinical Genetics Services, Murdoch Childrens Research Institute
Classification: Pathogenic for Joubert syndrome 5. Last evaluated: 2026-01-16. Review status: criteria provided, single submitter. Criteria: ACMG Guidelines, 2015. Collection method: clinical testing. Allele origin: germline. Affected: yes.
Comment: This variant is classified as Pathogenic. Evidence in support of pathogenic classification: Variant is predicted to cause nonsense-mediated decay (NMD) and loss of protein (premature termination codon is located at least 54 nucleotides upstream of the final exon-exon junction); Variant is present in gnomAD <0.01 for a recessive condition (v4: 242 heterozygote(s), 0 homozygote(s)); This variant has strong previous evidence of pathogenicity in unrelated individuals. This variant has been classified as pathogenic and likely pathogenic by multiple clinical laboratories in ClinVar and has been reported in a compound heterozygous state in individuals with CEP290-related conditions (PMID: 29398085); Other NMD predicted variants comparable to the one identified in this case have very strong previous evidence for pathogenicity (DECIPHER). Additional information: This variant is heterozygous; This gene is associated with autosomal recessive disease; Loss of function is a known mechanism of disease in this gene and is associated with Joubert syndrome 5 (MIM#610188), Leber congenital amaurosis 10 (MIM#611755), Meckel syndrome 4 (MIM#611134) and Senior-Loken syndrome 6 (MIM#610189).

Natera, Inc.
Classification: Pathogenic for Leber congenital amaurosis. Last evaluated: 2025-06-30. Review status: criteria provided, single submitter. Criteria: Natera Variant Classification Schema (03/2026). Collection method: clinical testing. Allele origin: germline.
Comment: The c.4966G>T variant in CEP290 is a nonsense variant predicted to introduce a stop codon at amino acid 1656. This variant is expected to result in nonsense mediated decay, truncation, or a dysfunctional protein product. This variant is rare in the general population with a frequency below the threshold expected for the associated phenotype(s). This variant has been observed in one or more individuals affected with the associated recessive disease, as either homozygous or compound heterozygous with a second variant (PMID: 16909394, 29146704). Given the available evidence, this variant is classified as Pathogenic.

Greenwood Genetic Center Diagnostic Laboratories, Greenwood Genetic Center
Classification: Pathogenic for CEP290-related disorder. Last evaluated: 2025-04-28. Review status: criteria provided, single submitter. Criteria: ACMG Guidelines, 2015. Collection method: clinical testing. Allele origin: germline. Affected: yes.
Comment: PVS1, PM2, PM3_Very Strong

Fulgent Genetics
Classification: Pathogenic for Joubert syndrome 5; Senior-Loken syndrome 6; Meckel syndrome, type 4; Leber congenital amaurosis 10; Bardet-Biedl syndrome 14. Last evaluated: 2024-04-10. Review status: criteria provided, single submitter. Criteria: ACMG Guidelines, 2015. Collection method: clinical testing. Allele origin: germline.

Baylor Genetics
Classification: Pathogenic for Bardet-Biedl syndrome 14. Last evaluated: 2024-03-24. Review status: criteria provided, single submitter. Criteria: ACMG Guidelines, 2015. Collection method: clinical testing. Allele origin: unknown.

Blueprint Genetics
Classification: Pathogenic for CEP290-related disorders. Last evaluated: 2024-02-06. Review status: criteria provided, single submitter. Criteria: ACMG Guidelines, 2015. Collection method: clinical testing. Allele origin: germline. Affected: yes. Observed: 5 variant alleles.

GeneDx
Classification: Pathogenic. Last evaluated: 2022-08-07. Review status: criteria provided, single submitter. Criteria: GeneDx Variant Classification Process June 2021. Collection method: clinical testing. Allele origin: germline. Affected: yes.
Comment: Nonsense variant predicted to result in protein truncation or nonsense mediated decay in a gene for which loss-of-function is a known mechanism of disease; Not observed at significant frequency in large population cohorts (gnomAD); This variant is associated with the following publications: (PMID: 16909394, 25525159, 26529047, 28497568, 23559409, 26062849, 20079931, 19466712, 29398085, 23188109)

Broad Center for Mendelian Genomics, Broad Institute of MIT and Harvard
Classification: Pathogenic for Leber congenital amaurosis 10. Last evaluated: 2022-05-04. Review status: criteria provided, single submitter. Criteria: ACMG Guidelines, 2015. Collection method: curation. Allele origin: germline. Inheritance: Autosomal recessive inheritance.
Comment: The variant has been reported in at least 2 individuals of unknown ethnicity with Leber congenital amaurosis 10 (PMID: 20079931), and has been identified in 0.0096% (7/72796) of European non-Finnish chromosomes by the Genome Aggregation Database (gnomAD; dbSNP ID: rs62638179). Although this variant has been seen in the general population, its frequency is low enough to be consistent with a recessive carrier frequency. This variant has also been reported in ClinVar (Variation ID: 99857) as pathogenic by GeneDx and Invitae, and as likely pathogenic by Illumina Clinical Services Laboratory. This nonsense variant leads to a premature termination codon at position 1656, which is predicted to lead to a truncated or absent protein. Loss of function of the CEP290 gene is an established disease mechanism in autosomal recessive Leber congenital amaurosis 10. The presence of this variant in combination with reported pathogenic variants, and in at least 2 individuals with Leber congenital amaurosis 10 increases the likelihood that the p.Glu1656Ter variant is pathogenic (PMID: 20079931). In summary, this variant meets criteria to be classified as pathogenic for Leber congenital amaurosis 10 in an autosomal recessive manner based on the predicted impact of the variant and multiple occurrences with pathogenic CEP290 variants in affected individuals. ACMG/AMP Criteria applied: PVS1, PM2, PM3 (Richards 2015).

NM_025114.4(CEP290):c.4966G>T (p.Glu1656Ter)

Gene: CEP290 (centrosomal protein 290; minus strand). Cytogenetic location: 12q21.32.
Variant type: single nucleotide variant.
Coding change: c.4966G>T on transcript NM_025114.4 (MANE Select); coding-DNA position 4966, G replaced by T.
Protein change: p.Glu1656Ter; replaces glutamic acid 1656 with a stop codon.
Molecular consequence: nonsense.
Genome position (GRCh38, 1-based): chr12:88,083,077, C>A on the plus strand (G>T on the coding strand, the complement: CEP290 is on the minus strand). VCF-style: chr12-88083077-C-A. GRCh37 (hg19) VCF-style: chr12-88476854-C-A.
Other names: NM_025114.4(CEP290):c.4966G>T; p.Glu1656Ter; short protein forms E1656*.
Identifiers: ClinVar variation 99857 (VCV000099857.34), dbSNP rs62638179, ClinGen allele CA227975.